The following is an entry in ClinVar:

ClinVar aggregate classification (germline): Benign/Likely benign. Review status: criteria provided, multiple submitters, no conflicts (2 of 4 stars). 3 submissions from 3 submitters: Benign (1); Likely benign (2). Last evaluated 2025-10-09.

Conditions:
DNAH1-related disorder. Also called: DNAH1-related condition.
Ciliary dyskinesia, primary, 37 (CILD37). Also called: CILIARY DYSKINESIA, PRIMARY, 37, WITH OR WITHOUT SITUS INVERSUS. Identifiers: MedGen C4539798, MONDO:0033204, OMIM 617577.
Spermatogenic failure 18. Identifiers: MedGen C4539783, MONDO:0054615, OMIM 617576.

Allele frequency attached by ClinVar (database versions not stated): TOPMed 0.00004; 1000 Genomes Project 30x 0.00125; 1000 Genomes Project 0.00140.
gnomAD v4.1: 390 of 1,605,202 alleles (0.024%); highest among the groups gnomAD compares: South Asian, 0.4%; 1 homozygote.

Submissions (3):

Labcorp Genetics (formerly Invitae), Labcorp
Classification: Benign for Ciliary dyskinesia, primary, 37; Spermatogenic failure 18. Last evaluated: 2025-10-09. Review status: criteria provided, single submitter. Criteria: Invitae Variant Classification Sherloc (09022015). Collection method: clinical testing. Allele origin: germline.

PreventionGenetics, part of Exact Sciences
Classification: Likely benign for DNAH1-related condition. Last evaluated: 2025-07-07. Review status: criteria provided, single submitter. Criteria: ACMG Guidelines, 2015. Collection method: clinical testing. Allele origin: germline.
Comment: This variant is classified as likely benign based on ACMG/AMP sequence variant interpretation guidelines (Richards et al. 2015 PMID: 25741868, with internal and published modifications).

Blueprint Genetics
Classification: Likely benign. Last evaluated: 2024-09-30. Review status: criteria provided, single submitter. Criteria: ACMG Guidelines, 2015. Collection method: clinical testing. Allele origin: germline.

NM_015512.5(DNAH1):c.576C>A (p.Ile192=)

Gene: DNAH1 (dynein axonemal heavy chain 1; plus strand). Cytogenetic location: 3p21.1.
Variant type: single nucleotide variant.
Coding change: c.576C>A on transcript NM_015512.5 (MANE Select); coding-DNA position 576, C replaced by A.
Protein change: p.Ile192=; no amino-acid change (isoleucine 192 retained).
Molecular consequence: synonymous variant.
Genome position (GRCh38, 1-based): chr3:52,326,309, C>A. VCF-style: chr3-52326309-C-A. GRCh37 (hg19) VCF-style: chr3-52360325-C-A.
Identifiers: ClinVar variation 712752 (VCV000712752.11), dbSNP rs555661049, ClinGen allele CA2432677.